The following is an entry in ClinVar:

NM_001111125.3(IQSEC2):c.3502-15C>T

Gene: IQSEC2 (IQ motif and Sec7 domain ArfGEF 2; minus strand). Cytogenetic location: Xp11.22.
Variant type: single nucleotide variant.
Coding change: c.3502-15C>T on transcript NM_001111125.3 (MANE Select); 15 bases into the intron before coding-DNA position 3502, C replaced by T.
Molecular consequence: intron variant.
Genome position (GRCh38, 1-based): chrX:53,235,199, G>A on the plus strand (C>T on the coding strand, the complement: IQSEC2 is on the minus strand). VCF-style: chrX-53235199-G-A. GRCh37 (hg19) VCF-style: chrX-53264381-G-A.
Other names: c.2837-15C>T (NM_015075.2).
Identifiers: ClinVar variation 518169 (VCV000518169.9), dbSNP rs1299191132, ClinGen allele CA641547565.

ClinVar aggregate classification (germline): Likely benign. Review status: criteria provided, multiple submitters, no conflicts (2 of 4 stars). 2 submissions from 2 submitters: Likely benign (2). Last evaluated 2025-05-28.

Conditions:
Intellectual developmental disorder, X-linked 1. Also called: MENTAL RETARDATION, X-LINKED 18; MENTAL RETARDATION, X-LINKED 78; Intellectual disability, X-linked 1; Atkin Flaitz Patil Smith syndrome. Identifiers: Orphanet 777, MedGen C2931498, MONDO:0010656, OMIM 309530.

Allele frequency attached by ClinVar (database versions not stated): gnomAD 0.00002.
gnomAD v4.1: 8 of 1,162,747 alleles (0.00069%); highest among the groups gnomAD compares: Middle Eastern, 0.065%; no homozygotes.

Submissions (2):

Labcorp Genetics (formerly Invitae), Labcorp
Classification: Likely benign for Intellectual developmental disorder, X-linked 1. Last evaluated: 2025-05-28. Review status: criteria provided, single submitter. Criteria: Invitae Variant Classification Sherloc (09022015). Collection method: clinical testing. Allele origin: germline.

GeneDx
Classification: Likely benign. Last evaluated: 2017-06-22. Review status: criteria provided, single submitter. Criteria: GeneDx Variant Classification (06012015). Collection method: clinical testing. Allele origin: germline. Affected: yes.
Comment: This variant is considered likely benign or benign based on one or more of the following criteria: it is a conservative change, it occurs at a poorly conserved position in the protein, it is predicted to be benign by multiple in silico algorithms, and/or has population frequency not consistent with disease.